The following is an entry in ClinVar:

ClinVar aggregate classification (germline): Likely pathogenic. Review status: criteria provided, multiple submitters, no conflicts (2 of 4 stars). 4 submissions from 4 submitters: Likely pathogenic (3). 1 of the submissions does not count toward it. Last evaluated 2023-11-19.

Conditions:
PMPCB-related mitochondrial disorder.
Inborn genetic diseases. Identifiers: MedGen C0950123, MeSH D030342.
Multiple mitochondrial dysfunctions syndrome 6. Identifiers: Orphanet 569290, MedGen C4693741, MONDO:0054785, OMIM 617954.

Allele frequency attached by ClinVar (database versions not stated): ExAC 0.00002; gnomAD exomes 0.00003 and 0.00005; TOPMed 0.00003; gnomAD 0.00004; ESP Exome Variant Server 0.00008.
gnomAD v4.1: 86 of 1,613,512 alleles (0.0053%); highest among the groups gnomAD compares: Non-Finnish European, 0.0069%; no homozygotes.

Submissions (4):

Labcorp Genetics (formerly Invitae), Labcorp
Classification: Likely pathogenic. Last evaluated: 2023-11-19. Review status: criteria provided, single submitter. Criteria: Invitae Variant Classification Sherloc (09022015). Collection method: clinical testing. Allele origin: germline.
Comment: This sequence change replaces arginine, which is basic and polar, with cysteine, which is neutral and slightly polar, at codon 175 of the PMPCB protein (p.Arg175Cys). This variant is present in population databases (rs145596167, gnomAD 0.006%). This missense change has been observed in individuals with multiple mitochondrial dysfunctions syndrome (PMID: 29576218; Invitae). ClinVar contains an entry for this variant (Variation ID: 523138). Advanced modeling of protein sequence and biophysical properties (such as structural, functional, and spatial information, amino acid conservation, physicochemical variation, residue mobility, and thermodynamic stability) performed at Invitae indicates that this missense variant is expected to disrupt PMPCB protein function with a positive predictive value of 80%. Experimental studies have shown that this missense change affects PMPCB function (PMID: 29576218). This variant disrupts the p.Arg175 amino acid residue in PMPCB. Other variant(s) that disrupt this residue have been observed in individuals with PMPCB-related conditions (PMID: 29576218), which suggests that this may be a clinically significant amino acid residue. In summary, the currently available evidence indicates that the variant is pathogenic, but additional data are needed to prove that conclusively. Therefore, this variant has been classified as Likely Pathogenic.

Illumina Laboratory Services, Illumina
Classification: Likely pathogenic for PMPCB-related mitochondrial disorder. Last evaluated: 2019-12-10. Review status: criteria provided, single submitter. Criteria: ICSLVariantClassificationCriteria RUGD 01 April 2020. Collection method: clinical testing. Allele origin: unknown.
Comment: The PMPCB c.523C>T (p.Arg175Cys) variant is a missense variant that has been reported in one study and is found in two unrelated individuals in a compound heterozygous state with childhood neurodegeneration (Vogtle et al. 2018). Both affected individuals had onset in infancy and experienced regression at 12 months of age. Cerebellar atrophy, inability to ambulate, motor delays, basal ganglia signal abnormalities, limited or no speech, seizures in the background of febrile illness, and elevated serum lactate levels were noted in both affected individuals. The p.Arg175Cys variant is reported at a frequency of 0.00007 in the European (non-Finnish) population of the Genome Aggregation Database in a region of good sequence coverage. Another variant at the Arg175 residue has been described in an affected individual in a compound heterozygous state who also presented with childhood neurodegeneration and cerebellar atrophy (Vogtle et al. 2018). Functional studies of the p.Arg175Cys variant were conducted using site-directed mutagenesis in yeast (Vogtle et al. 2018). A temperature-sensitive effect was noted whereby heat shock resulted in severely impaired viability. In addition, heat stress showed defects in both mitochondrial processing protease activity and iron-sulfur cluster biosynthesis which is essential for mitochondrial function. Structural modeling suggested this variant is involved in protein folding. Furthermore, enzyme activity of respiratory chain complexes was decreased in muscle cells from one of the affected individuals with the p.Arg175Cys variant in a compound heterozygous state (Vogtle et al. 2018). Based on the collective evidence and application of ACMG criteria, the p.Arg175Cys variant is classified as likely pathogenic for PMPCB-related mitochondrial disorder.

Ambry Genetics
Classification: Likely pathogenic for Inborn genetic diseases. Last evaluated: 2018-03-30. Review status: criteria provided, single submitter. Criteria: Ambry exome assertion method (8-5-2015). Collection method: clinical testing. Allele origin: germline. Affected: yes. Observed: 1 variant allele.

OMIM
Classification: Pathogenic for MULTIPLE MITOCHONDRIAL DYSFUNCTIONS SYNDROME 6. Last evaluated: 2018-05-02. Review status: no assertion criteria provided. Collection method: literature only. Allele origin: germline. Not counted in ClinVar's aggregate classification.

Literature cited by the submitters: PubMed 29576218 (cited by 3 submitters).

NM_004279.3(PMPCB):c.523C>T (p.Arg175Cys)

Gene: PMPCB (peptidase, mitochondrial processing subunit beta; plus strand). Cytogenetic location: 7q22.1.
Variant type: single nucleotide variant.
Coding change: c.523C>T on transcript NM_004279.3 (MANE Select); coding-DNA position 523, C replaced by T.
Protein change: p.Arg175Cys; replaces arginine 175 with cysteine.
Molecular consequence: missense variant.
Genome position (GRCh38, 1-based): chr7:103,303,907, C>T. VCF-style: chr7-103303907-C-T. GRCh37 (hg19) VCF-style: chr7-102944354-C-T.
Other names: short protein forms R175C.
Identifiers: ClinVar variation 523138 (VCV000523138.11), dbSNP rs145596167, ClinGen allele CA4417986.
Genomic context (GRCh38, chr7:103,303,907, plus strand): 5'-GAAATTCTTGCTGATATAATACAAAACAGCACATTGGGAGAAGCAGAGATTGAACGTGAG[C>T]GTGGAGTAATCCTTAGAGAGATGCAGGAAGTTGAAACCAATTTACAAGAAGTTGTTTTTG-3'
Protein context (NP_004270.2, residues 165-185): TLGEAEIERE[Arg175Cys]GVILREMQEV